The following is an entry in ClinVar:

NM_022089.4(ATP13A2):c.396G>A (p.Ala132=)

Gene: ATP13A2 (ATPase cation transporting 13A2; minus strand). Cytogenetic location: 1p36.13.
Variant type: single nucleotide variant.
Coding change: c.396G>A on transcript NM_022089.4 (MANE Select); coding-DNA position 396, G replaced by A.
Protein change: p.Ala132=; no amino-acid change (alanine 132 retained).
Molecular consequence: synonymous variant.
Genome position (GRCh38, 1-based): chr1:17,004,773, C>T on the plus strand (G>A on the coding strand, the complement: ATP13A2 is on the minus strand). VCF-style: chr1-17004773-C-T. GRCh37 (hg19) VCF-style: chr1-17331268-C-T.
Other names: c.396G>A, p.Ala132= (NM_001141973.3, NM_001141974.3).
Identifiers: ClinVar variation 293803 (VCV000293803.29), dbSNP rs140631323, ClinGen allele CA637653.

ClinVar aggregate classification (germline): Conflicting classifications of pathogenicity. Review status: criteria provided, conflicting classifications (1 of 4 stars). 4 submissions from 4 submitters: Uncertain significance (1); Likely benign (3). Last evaluated 2026-01-20.

Conditions:
Kufor-Rakeb syndrome (KRS). Also called: PARKINSON DISEASE 9, AUTOSOMAL RECESSIVE, JUVENILE-ONSET. Identifiers: Orphanet 306674, Orphanet 314632, MedGen C1847640, MONDO:0011706, OMIM 606693.
Autosomal recessive spastic paraplegia type 78. Identifiers: Orphanet 513436, MedGen C5567893, MONDO:0014975, OMIM 617225.

Allele frequency attached by ClinVar (database versions not stated): ESP Exome Variant Server 0.00008; gnomAD 0.00008 and 0.00009; TOPMed 0.00008; gnomAD exomes 0.00010; ExAC 0.00013.
gnomAD v4.1: 168 of 1,614,022 alleles (0.01%); highest among the groups gnomAD compares: Middle Eastern, 0.082%; no homozygotes.

Submissions (4):

Labcorp Genetics (formerly Invitae), Labcorp
Classification: Likely benign for Kufor-Rakeb syndrome; Autosomal recessive spastic paraplegia type 78. Last evaluated: 2026-01-20. Review status: criteria provided, single submitter. Criteria: Invitae Variant Classification Sherloc (09022015). Collection method: clinical testing. Allele origin: germline.

CeGaT Center for Human Genetics Tuebingen
Classification: Likely benign. Last evaluated: 2025-12-01. Review status: criteria provided, single submitter. Criteria: CeGaT Center For Human Genetics Tuebingen Variant Classification Criteria Version 2. Collection method: clinical testing. Allele origin: germline. Affected: yes. Observed: 2 variant alleles.
Comment: ATP13A2: BP4, BP7

Blueprint Genetics
Classification: Likely benign. Last evaluated: 2024-07-15. Review status: criteria provided, single submitter. Criteria: ACMG Guidelines, 2015. Collection method: clinical testing. Allele origin: germline.

Illumina Laboratory Services, Illumina
Classification: Uncertain significance for Kufor-Rakeb syndrome. Last evaluated: 2018-01-12. Review status: criteria provided, single submitter. Criteria: ICSL Variant Classification Criteria 13 December 2019. Collection method: clinical testing. Allele origin: germline.